The following is an entry in ClinVar:

ClinVar aggregate classification (germline): Conflicting classifications of pathogenicity. Review status: criteria provided, conflicting classifications (1 of 4 stars). 3 submissions from 3 submitters: Uncertain significance (1); Likely benign (1). 1 of the submissions does not count toward it. Last evaluated 2026-01-01.

Conditions:
Inborn genetic diseases. Identifiers: MedGen C0950123, MeSH D030342.

Allele frequency attached by ClinVar (database versions not stated): gnomAD exomes 0.00001; TOPMed 0.00001.
gnomAD v4.1: 19 of 1,612,700 alleles (0.0012%); highest among the groups gnomAD compares: Middle Eastern, 0.12%; no homozygotes.

Submissions (3):

CeGaT Center for Human Genetics Tuebingen
Classification: Likely benign. Last evaluated: 2026-01-01. Review status: criteria provided, single submitter. Criteria: CeGaT Center For Human Genetics Tuebingen Variant Classification Criteria Version 2. Collection method: clinical testing. Allele origin: germline. Affected: yes. Observed: 1 variant allele.
Comment: TRIO: BP4, BS2

Ambry Genetics
Classification: Uncertain significance for Inborn genetic diseases. Last evaluated: 2025-08-22. Review status: criteria provided, single submitter. Criteria: Ambry Variant Classification Scheme 2023. Collection method: clinical testing. Allele origin: germline.

Department of Pathology and Laboratory Medicine, Sinai Health System
Classification: Uncertain significance. Review status: no assertion criteria provided. Collection method: clinical testing. Allele origin: unknown. Affected: yes. Study: The Canadian Open Genetics Repository (COGR). Not counted in ClinVar's aggregate classification.
Comment: The TRIO p.(Pro1331Ser) variant was not identified in the literature nor was it identified in ClinVar, Cosmic or LOVD 3.0. The variant was identified in dbSNP (ID: rs866249802). The variant was not identified in the following control databases: the 1000 Genomes Project, the NHLBI GO Exome Sequencing Project, the Exome Aggregation Consortium (August 8th 2016), or the Genome Aggregation Database (Feb 27, 2017). The variant occurs outside of the splicing consensus sequence and in silico or computational prediction software programs (SpliceSiteFinder, MaxEntScan, NNSPLICE, GeneSplicer) do not predict a difference in splicing. The p.Pro1331 residue is not conserved in mammals and computational analyses (PolyPhen-2, SIFT, AlignGVGD, BLOSUM, MutationTaster) provide inconsistent predictions regarding the impact to the protein; this information is not very predictive of pathogenicity. In summary, based on the above information the clinical significance of this variant cannot be determined with certainty at this time. This variant is classified as a variant of uncertain significance.

NM_007118.4(TRIO):c.3991C>T (p.Pro1331Ser)

Gene: TRIO (trio Rho guanine nucleotide exchange factor; plus strand). Cytogenetic location: 5p15.2.
Variant type: single nucleotide variant.
Coding change: c.3991C>T on transcript NM_007118.4 (MANE Select); coding-DNA position 3991, C replaced by T.
Protein change: p.Pro1331Ser; replaces proline 1331 with serine.
Molecular consequence: missense variant. On other transcripts: non-coding transcript variant (1).
Genome position (GRCh38, 1-based): chr5:14,389,331, C>T. VCF-style: chr5-14389331-C-T. GRCh37 (hg19) VCF-style: chr5-14389440-C-T.
Other names: c.3991C>T (NM_007118.2); short protein forms P1331S.
Identifiers: ClinVar variation 1049823 (VCV001049823.7), dbSNP rs866249802, ClinGen allele CA113990020.